The following is an entry in ClinVar:

ClinVar aggregate classification (germline): Uncertain significance (1 of 4 stars; one submission).

Conditions:
Leukocyte adhesion deficiency 3. Also called: INTEGRIN ACTIVATION DEFICIENCY DISEASE; LEUKOCYTE ADHESION DEFICIENCY 1 VARIANT; Leukocyte adhesion deficiency, type III. Identifiers: Orphanet 2968, Orphanet 99844, MedGen C2748536, MONDO:0013016, OMIM 612840.

Submission:

Labcorp Genetics (formerly Invitae), Labcorp
Classification: Uncertain significance for Leukocyte adhesion deficiency 3. Last evaluated: 2022-02-21. Review status: criteria provided, single submitter. Criteria: Invitae Variant Classification Sherloc (09022015). Collection method: clinical testing. Allele origin: germline.
Comment: This sequence change replaces lysine, which is basic and polar, with threonine, which is neutral and polar, at codon 401 of the FERMT3 protein (p.Lys401Thr). This variant is not present in population databases (gnomAD no frequency). This variant has not been reported in the literature in individuals affected with FERMT3-related conditions. Algorithms developed to predict the effect of missense changes on protein structure and function are either unavailable or do not agree on the potential impact of this missense change (SIFT: "Deleterious"; PolyPhen-2: "Possibly Damaging"; Align-GVGD: "Class C0"). In summary, the available evidence is currently insufficient to determine the role of this variant in disease. Therefore, it has been classified as a Variant of Uncertain Significance.

NM_031471.6(FERMT3):c.1202A>C (p.Lys401Thr)

Gene: FERMT3 (FERM domain containing kindlin 3; plus strand). Cytogenetic location: 11q13.1.
Variant type: single nucleotide variant.
Coding change: c.1202A>C on transcript NM_031471.6 (MANE Select); coding-DNA position 1202, A replaced by C.
Protein change: p.Lys401Thr; replaces lysine 401 with threonine.
Molecular consequence: missense variant.
Genome position (GRCh38, 1-based): chr11:64,220,013, A>C. VCF-style: chr11-64220013-A-C. GRCh37 (hg19) VCF-style: chr11-63987485-A-C.
Other names: c.1202A>C, p.Lys401Thr (NM_001382361.1, NM_001382448.1); c.1214A>C, p.Lys405Thr (NM_001382362.1, NM_178443.3); c.662A>C, p.Lys221Thr (NM_001382363.1); c.674A>C, p.Lys225Thr (NM_001382364.1); short protein forms K225T, K405T, K221T, K401T.
Identifiers: ClinVar variation 2096249 (VCV002096249.4), dbSNP rs2496022869, ClinGen allele CA381086911.